The following is an entry in ClinVar:

ClinVar aggregate classification (germline): Uncertain significance (1 of 4 stars; one submission).

gnomAD v4.1: 22 of 1,613,464 alleles (0.0014%); highest among the groups gnomAD compares: Admixed American, 0.0083%; no homozygotes.

Submission:

Dasa
Classification: Uncertain significance. Last evaluated: 2025-02-26. Review status: criteria provided, single submitter. Criteria: DASA Assertion Criteria. Collection method: clinical testing. Allele origin: germline.
Comment: NM_015028.4(TNIK):c.1744C>T (p.Pro582Ser) is a missense variant that results in the substitution of proline with serine. This variant is rare in population databases. Computational prediction algorithms are consistent with a benign effect. The currently available literature and clinical evidence are not sufficient to establish a definitive association between this variant and the reported condition. Therefore, this variant is classified as a variant of uncertain significance.

NM_015028.4(TNIK):c.1744C>T (p.Pro582Ser)

Gene: TNIK (TRAF2 and NCK interacting kinase; minus strand). Cytogenetic location: 3q26.2.
Variant type: single nucleotide variant.
Coding change: c.1744C>T on transcript NM_015028.4 (MANE Select); coding-DNA position 1744, C replaced by T.
Protein change: p.Pro582Ser; replaces proline 582 with serine.
Molecular consequence: missense variant. On other transcripts: intron variant (4).
Genome position (GRCh38, 1-based): chr3:171,128,743, G>A on the plus strand (C>T on the coding strand, the complement: TNIK is on the minus strand). VCF-style: chr3-171128743-G-A. GRCh37 (hg19) VCF-style: chr3-170846532-G-A.
Other names: c.1744C>T, p.Pro582Ser (NM_001161560.3); c.1657C>T, p.Pro553Ser (NM_001161561.3, NM_001161562.3); c.1522-2592C>T (NM_001161566.3, NM_001161565.3); c.1609-2592C>T (NM_001161564.3, NM_001161563.3); short protein forms P553S, P582S.
Identifiers: ClinVar variation 4882122 (VCV004882122.2).